The following is an entry in ClinVar:

NM_003480.4(MFAP5):c.428T>G (p.Met143Arg)

Genes: MFAP5 (microfibril associated protein 5; minus strand), LOC126861443 (BRD4-independent group 4 enhancer GRCh37_chr12:8800473-8801672; plus strand). Cytogenetic location: 12p13.31.
Variant type: single nucleotide variant.
Coding change: c.428T>G on transcript NM_003480.4 (MANE Select); coding-DNA position 428, T replaced by G.
Protein change: p.Met143Arg; replaces methionine 143 with arginine.
Molecular consequence: missense variant. On other transcripts: non-coding transcript variant (2).
Genome position (GRCh38, 1-based): chr12:8,648,185, A>C on the plus strand (T>G on the coding strand, the complement: MFAP5 is on the minus strand). VCF-style: chr12-8648185-A-C. GRCh37 (hg19) VCF-style: chr12-8800781-A-C.
Other names: c.398T>G, p.Met133Arg (NM_001297709.2); c.362T>G, p.Met121Arg (NM_001297710.2); c.353T>G, p.Met118Arg (NM_001297711.2); c.236T>G, p.Met79Arg (NM_001297712.2); short protein forms M79R, M118R, M121R, M133R, M143R.
Identifiers: ClinVar variation 3395451 (VCV003395451.1).
Genomic context (GRCh38, chr12:8,648,185, plus strand): 5'-TCACAGGGAGGAAGTCGGAAGTAATTGGAGCGACGGAGTCTCCTAGGGGGCAGACCAGCC[A>C]TCTGACGGCAAAGCTCATCTAGAAGAGAAGCAGAACATCATGGGAAGAGAATGCAGAAGA-3'
Protein context (NP_003471.1, residues 133-153): EAMKDELCRQ[Met143Arg]AGLPPRRLRR

ClinVar aggregate classification (germline): Uncertain significance (1 of 4 stars; one submission).

Conditions:
Cardiovascular phenotype. Identifiers: MedGen CN230736.

Submission:

Ambry Genetics
Classification: Uncertain significance for Cardiovascular phenotype. Last evaluated: 2024-07-17. Review status: criteria provided, single submitter. Criteria: Ambry Variant Classification Scheme 2023. Collection method: clinical testing. Allele origin: germline.
Comment: The p.M143R variant (also known as c.428T>G), located in coding exon 9 of the MFAP5 gene, results from a T to G substitution at nucleotide position 428. The methionine at codon 143 is replaced by arginine, an amino acid with similar properties. This amino acid position is conserved. In addition, this alteration is predicted to be tolerated by in silico analysis. Based on the available evidence, the clinical significance of this variant remains unclear.